The following is an entry in ClinVar:

NM_002335.4(LRP5):c.4024C>T (p.Arg1342Trp)

Gene: LRP5 (LDL receptor related protein 5; plus strand). Cytogenetic location: 11q13.2.
Variant type: single nucleotide variant.
Coding change: c.4024C>T on transcript NM_002335.4 (MANE Select); coding-DNA position 4024, C replaced by T.
Protein change: p.Arg1342Trp; replaces arginine 1342 with tryptophan.
Molecular consequence: missense variant.
Genome position (GRCh38, 1-based): chr11:68,436,912, C>T. VCF-style: chr11-68436912-C-T. GRCh37 (hg19) VCF-style: chr11-68204380-C-T.
Other names: c.2281C>T, p.Arg761Trp (NM_001291902.2); short protein forms R761W, R1342W.
Identifiers: ClinVar variation 1438250 (VCV001438250.7), dbSNP rs568426341, ClinGen allele CA6150208.

ClinVar aggregate classification (germline): Uncertain significance. Review status: criteria provided, multiple submitters, no conflicts (2 of 4 stars). 2 submissions from 2 submitters: Uncertain significance (2). Last evaluated 2025-03-07.

Conditions:
Autosomal dominant osteopetrosis 1 (OPTA1). Also called: OSTEOPETROSIS, AUTOSOMAL DOMINANT, TYPE I. Identifiers: Orphanet 2783, MedGen C1843330, MONDO:0011877, OMIM 607634.
Polycystic liver disease 4 with or without kidney cysts. Identifiers: MedGen C4693479, MONDO:0044327, OMIM 617875.
Exudative vitreoretinopathy 4 (EVR4). Identifiers: Orphanet 891, MedGen C1866176, MONDO:0011151, OMIM 601813.
Osteoporosis with pseudoglioma (OPPG). Also called: osteoporosis-pseudoglioma syndrome. Identifiers: Orphanet 2788, MedGen C0432252, MONDO:0009820, OMIM 259770.
Bone mineral density quantitative trait locus 1 (BMND1). Identifiers: MedGen C1866079, OMIM 601884.
Worth disease. Also called: Autosomal dominant osteosclerosis, Worth type; ENDOSTEAL HYPEROSTOSIS, AUTOSOMAL DOMINANT; OSTEOSCLEROSIS, AUTOSOMAL DOMINANT. Identifiers: Orphanet 2790, MedGen C0432273, MONDO:0007764, OMIM 144750.

Allele frequency attached by ClinVar (database versions not stated): gnomAD 0.00001; gnomAD exomes 0.00001 and 0.00002; ExAC 0.00002; TOPMed 0.00002; 1000 Genomes Project 30x 0.00016; 1000 Genomes Project 0.00020.
gnomAD v4.1: 15 of 1,613,772 alleles (0.00093%); highest among the groups gnomAD compares: South Asian, 0.0055%; no homozygotes.

Submissions (2):

Labcorp Genetics (formerly Invitae), Labcorp
Classification: Uncertain significance. Last evaluated: 2025-03-07. Review status: criteria provided, single submitter. Criteria: Invitae Variant Classification Sherloc (09022015). Collection method: clinical testing. Allele origin: germline.
Comment: This sequence change replaces arginine, which is basic and polar, with tryptophan, which is neutral and slightly polar, at codon 1342 of the LRP5 protein (p.Arg1342Trp). This variant is present in population databases (rs568426341, gnomAD 0.01%). This variant has not been reported in the literature in individuals affected with LRP5-related conditions. ClinVar contains an entry for this variant (Variation ID: 1438250). Invitae Evidence Modeling of protein sequence and biophysical properties (such as structural, functional, and spatial information, amino acid conservation, physicochemical variation, residue mobility, and thermodynamic stability) has been performed for this missense variant. However, the output from this modeling did not meet the statistical confidence thresholds required to predict the impact of this variant on LRP5 protein function. In summary, the available evidence is currently insufficient to determine the role of this variant in disease. Therefore, it has been classified as a Variant of Uncertain Significance.

Fulgent Genetics
Classification: Uncertain significance for Worth disease; Osteoporosis with pseudoglioma; Exudative vitreoretinopathy 4; Bone mineral density quantitative trait locus 1; Autosomal dominant osteopetrosis 1; Polycystic liver disease 4 with or without kidney cysts. Last evaluated: 2024-04-08. Review status: criteria provided, single submitter. Criteria: ACMG Guidelines, 2015. Collection method: clinical testing. Allele origin: germline.